The following is an entry in ClinVar:

NM_139321.3(ATRN):c.4183G>A (p.Ala1395Thr)

Gene: ATRN (attractin; plus strand). Cytogenetic location: 20p13.
Variant type: single nucleotide variant.
Coding change: c.4183G>A on transcript NM_139321.3 (MANE Select); coding-DNA position 4183, G replaced by A.
Protein change: p.Ala1395Thr; replaces alanine 1395 with threonine.
Molecular consequence: missense variant.
Genome position (GRCh38, 1-based): chr20:3,646,740, G>A. VCF-style: chr20-3646740-G-A. GRCh37 (hg19) VCF-style: chr20-3627387-G-A.
Other names: short protein forms A1395T.
Identifiers: ClinVar variation 1354585 (VCV001354585.8), dbSNP rs200957929, ClinGen allele CA9744767.
Genomic context (GRCh38, chr20:3,646,740, plus strand): 5'-GCCAGCTGCTCCCAGCATATGTTCTCTCTGTGGTTCTCCCAAGGTCTTGCTGTGGCCAGC[G>A]CCCTGGTGGACATTTCTCAGCAGATGCCGATAGTGTACAAGGAGAAGTCAGGAGCCGTGA-3'
Protein context (NP_647537.1, residues 1385-1405): PGQSGLAVAS[Ala1395Thr]LVDISQQMPI

ClinVar aggregate classification (germline): Uncertain significance (1 of 4 stars; one submission).

Allele frequency attached by ClinVar (database versions not stated): ExAC 0.00002; gnomAD 0.00003; gnomAD exomes 0.00003; TOPMed 0.00005; 1000 Genomes Project 30x 0.00016; 1000 Genomes Project 0.00020.
gnomAD v4.1: 45 of 1,603,704 alleles (0.0028%); highest among the groups gnomAD compares: East Asian, 0.0067%; no homozygotes.

Submission:

Labcorp Genetics (formerly Invitae), Labcorp
Classification: Uncertain significance. Last evaluated: 2024-03-04. Review status: criteria provided, single submitter. Criteria: Invitae Variant Classification Sherloc (09022015). Collection method: clinical testing. Allele origin: germline.
Comment: This sequence change replaces alanine, which is neutral and non-polar, with threonine, which is neutral and polar, at codon 1395 of the ATRN protein (p.Ala1395Thr). The frequency data for this variant in the population databases is considered unreliable, as metrics indicate poor data quality at this position in the gnomAD database. This variant has not been reported in the literature in individuals affected with ATRN-related conditions. ClinVar contains an entry for this variant (Variation ID: 1354585). An algorithm developed to predict the effect of missense changes on protein structure and function (PolyPhen-2) suggests that this variant is likely to be disruptive. In summary, the available evidence is currently insufficient to determine the role of this variant in disease. Therefore, it has been classified as a Variant of Uncertain Significance.